The following is an entry in ClinVar:

NM_016213.5(TRIP4):c.452A>G (p.Asn151Ser)

Gene: TRIP4 (thyroid hormone receptor interactor 4; plus strand). Cytogenetic location: 15q22.31.
Variant type: single nucleotide variant.
Coding change: c.452A>G on transcript NM_016213.5 (MANE Select); coding-DNA position 452, A replaced by G.
Protein change: p.Asn151Ser; replaces asparagine 151 with serine.
Molecular consequence: missense variant. On other transcripts: 5 prime UTR variant (1), non-coding transcript variant (1).
Genome position (GRCh38, 1-based): chr15:64,397,652, A>G. VCF-style: chr15-64397652-A-G. GRCh37 (hg19) VCF-style: chr15-64689851-A-G.
Other names: p.Asn151Ser; c.-239A>G (NM_001321924.2); short protein forms N151S.
Identifiers: ClinVar variation 738666 (VCV000738666.38), dbSNP rs76697871, ClinGen allele CA7609381.

ClinVar aggregate classification (germline): Benign/Likely benign. Review status: criteria provided, multiple submitters, no conflicts (2 of 4 stars). 5 submissions from 5 submitters: Benign (2); Likely benign (3). Last evaluated 2026-01-16.

Allele frequency attached by ClinVar (database versions not stated): gnomAD exomes 0.00036 and 0.00102; ExAC 0.00131; gnomAD 0.00340 and 0.00369; 1000 Genomes Project 30x 0.00359; 1000 Genomes Project 0.00379; TOPMed 0.00382; ESP Exome Variant Server 0.00446.
gnomAD v4.1: 1,067 of 1,614,044 alleles (0.066%); highest among the groups gnomAD compares: African/African-American, 1.2%; 7 homozygotes.

Submissions (5):

Labcorp Genetics (formerly Invitae), Labcorp
Classification: Benign. Last evaluated: 2026-01-16. Review status: criteria provided, single submitter. Criteria: Invitae Variant Classification Sherloc (09022015). Collection method: clinical testing. Allele origin: germline.

Mayo Clinic Laboratories, Mayo Clinic
Classification: Benign. Last evaluated: 2024-12-30. Review status: criteria provided, single submitter. Criteria: ACMG Guidelines, 2015. Collection method: clinical testing. Allele origin: germline. Observed: 2 variant alleles.
Comment: BA1, BP4_moderate

Blueprint Genetics
Classification: Likely benign. Last evaluated: 2024-11-01. Review status: criteria provided, single submitter. Criteria: ACMG Guidelines, 2015. Collection method: clinical testing. Allele origin: germline.

CeGaT Center for Human Genetics Tuebingen
Classification: Likely benign. Last evaluated: 2023-09-01. Review status: criteria provided, single submitter. Criteria: CeGaT Center For Human Genetics Tuebingen Variant Classification Criteria Version 2. Collection method: clinical testing. Allele origin: germline. Affected: yes. Observed: 1 variant allele.
Comment: TRIP4: BP4, BS1

GeneDx
Classification: Likely benign. Last evaluated: 2020-01-16. Review status: criteria provided, single submitter. Criteria: GeneDx Variant Classification Process June 2021. Collection method: clinical testing. Allele origin: germline. Affected: yes.